The following is an entry in ClinVar:

ClinVar aggregate classification (germline): Uncertain significance (1 of 4 stars; one submission).

Allele frequency attached by ClinVar (database versions not stated): gnomAD exomes 0.00001.
gnomAD v4.1: 9 of 1,600,834 alleles (0.00056%); highest among the groups gnomAD compares: East Asian, 0.0022%; no homozygotes.

Submission:

Ambry Genetics
Classification: Uncertain significance. Last evaluated: 2023-07-10. Review status: criteria provided, single submitter. Criteria: Ambry Variant Classification Scheme 2023. Collection method: clinical testing. Allele origin: germline.
Comment: The p.R920W variant (also known as c.2758C>T), located in coding exon 16 of the PKP4 gene, results from a C to T substitution at nucleotide position 2758. The arginine at codon 920 is replaced by tryptophan, an amino acid with dissimilar properties. This amino acid position is conserved. In addition, the in silico prediction for this alteration is inconclusive. Since supporting evidence is limited at this time, the clinical significance of this alteration remains unclear.

NM_003628.6(PKP4):c.2758C>T (p.Arg920Trp)

Genes: PKP4 (plakophilin 4; plus strand), PKP4-AS1 (PKP4 antisense RNA 1; minus strand). Cytogenetic location: 2q24.1.
Variant type: single nucleotide variant.
Coding change: c.2758C>T on transcript NM_003628.6 (MANE Select); coding-DNA position 2758, C replaced by T.
Protein change: p.Arg920Trp; replaces arginine 920 with tryptophan.
Molecular consequence: missense variant.
Genome position (GRCh38, 1-based): chr2:158,669,749, C>T. VCF-style: chr2-158669749-C-T. GRCh37 (hg19) VCF-style: chr2-159526261-C-T.
Other names: c.2758C>T, p.Arg920Trp (NM_001005476.4, NM_001377218.1, NM_001377225.1); c.2755C>T, p.Arg919Trp (NM_001304969.3, NM_001377219.1, NM_001377220.1 and 2 more transcripts); c.1729C>T, p.Arg577Trp (NM_001304970.3); c.2752C>T, p.Arg918Trp (NM_001377222.1, NM_001377223.1); c.2749C>T, p.Arg917Trp (NM_001377224.1); short protein forms R577W, R919W, R918W, R917W, R920W.
Identifiers: ClinVar variation 2620901 (VCV002620901.2), dbSNP rs1405772975, ClinGen allele CA348905142.